The following is an entry in ClinVar:

NM_001060.6(TBXA2R):c.762C>A (p.Ala254=)

Gene: TBXA2R (thromboxane A2 receptor; minus strand). Cytogenetic location: 19p13.3.
Variant type: single nucleotide variant.
Coding change: c.762C>A on transcript NM_001060.6 (MANE Select); coding-DNA position 762, C replaced by A.
Protein change: p.Ala254=; no amino-acid change (alanine 254 retained).
Molecular consequence: synonymous variant.
Genome position (GRCh38, 1-based): chr19:3,599,873, G>T on the plus strand (C>A on the coding strand, the complement: TBXA2R is on the minus strand). VCF-style: chr19-3599873-G-T. GRCh37 (hg19) VCF-style: chr19-3599871-G-T.
Other names: c.762C>A, p.Ala254= (NM_201636.3); c.762C>A (NM_201636.2).
Identifiers: ClinVar variation 2706092 (VCV002706092.6), dbSNP rs5752, ClinGen allele CA9080795.

ClinVar aggregate classification (germline): Benign/Likely benign. Review status: criteria provided, multiple submitters, no conflicts (2 of 4 stars). 3 submissions from 3 submitters: Benign (1); Likely benign (1). 1 of the submissions does not count toward it. Last evaluated 2025-12-01.

Conditions:
TBXA2R-related disorder. Also called: TBXA2R-related condition.

Allele frequency attached by ClinVar (database versions not stated): ExAC 0.00017; gnomAD 0.00130; TOPMed 0.00134; 1000 Genomes Project 0.00180; 1000 Genomes Project 30x 0.00203.
gnomAD v4.1: 340 of 1,549,180 alleles (0.022%); highest among the groups gnomAD compares: African/African-American, 0.43%; 3 homozygotes.

Submissions (3):

Labcorp Genetics (formerly Invitae), Labcorp
Classification: Benign. Last evaluated: 2025-12-01. Review status: criteria provided, single submitter. Criteria: Invitae Variant Classification Sherloc (09022015). Collection method: clinical testing. Allele origin: germline.

Blueprint Genetics
Classification: Likely benign. Last evaluated: 2024-09-12. Review status: criteria provided, single submitter. Criteria: ACMG Guidelines, 2015. Collection method: clinical testing. Allele origin: germline.

PreventionGenetics, part of Exact Sciences
Classification: Likely benign for TBXA2R-related condition. Last evaluated: 2019-02-19. Review status: no assertion criteria provided. Collection method: clinical testing. Allele origin: germline. Not counted in ClinVar's aggregate classification.
Comment: This variant is classified as likely benign based on ACMG/AMP sequence variant interpretation guidelines (Richards et al. 2015 PMID: 25741868, with internal and published modifications).